The following is an entry in ClinVar:

ClinVar aggregate classification (germline): Uncertain significance (1 of 4 stars; one submission).

Conditions:
Developmental and epileptic encephalopathy, 30 (DEE30). Also called: Epileptic encephalopathy, early infantile, 30. Identifiers: MedGen C4225360, MONDO:0014595, OMIM 616341.

Submission:

Labcorp Genetics (formerly Invitae), Labcorp
Classification: Uncertain significance for Developmental and epileptic encephalopathy, 30. Last evaluated: 2024-01-07. Review status: criteria provided, single submitter. Criteria: Invitae Variant Classification Sherloc (09022015). Collection method: clinical testing. Allele origin: germline.
Comment: This sequence change replaces aspartic acid, which is acidic and polar, with glycine, which is neutral and non-polar, at codon 225 of the SIK1 protein (p.Asp225Gly). This variant is not present in population databases (gnomAD no frequency). This variant has not been reported in the literature in individuals affected with SIK1-related conditions. Advanced modeling of protein sequence and biophysical properties (such as structural, functional, and spatial information, amino acid conservation, physicochemical variation, residue mobility, and thermodynamic stability) performed at Invitae indicates that this missense variant is not expected to disrupt SIK1 protein function with a negative predictive value of 95%. In summary, the available evidence is currently insufficient to determine the role of this variant in disease. Therefore, it has been classified as a Variant of Uncertain Significance.

NM_173354.5(SIK1):c.674A>G (p.Asp225Gly)

Gene: SIK1 (salt inducible kinase 1; minus strand). Cytogenetic location: 21q22.3.
Variant type: single nucleotide variant.
Coding change: c.674A>G on transcript NM_173354.5 (MANE Select); coding-DNA position 674, A replaced by G.
Protein change: p.Asp225Gly; replaces aspartic acid 225 with glycine.
Molecular consequence: missense variant.
Genome position (GRCh38, 1-based): chr21:43,421,084, T>C on the plus strand (A>G on the coding strand, the complement: SIK1 is on the minus strand). VCF-style: chr21-43421084-T-C. GRCh37 (hg19) VCF-style: chr21-44840964-T-C.
Other names: short protein forms D225G.
Identifiers: ClinVar variation 2708144 (VCV002708144.3), dbSNP rs1366472877, ClinGen allele CA410609652.
Genomic context (GRCh38, chr21:43,421,084, plus strand): 5'-AAGGGGATGCGGAAGCGGCCCTCCAGCACCCGCTGTCTCAGCGTCGGCAGGTTAGGCCCA[T>C]CGAAGGGGAGAGAACCGCAGACCAGGACGTACAGCACCACGCCCAGGCTCTGTTGAGGAC-3'
Protein context (NP_775490.2, residues 215-235): YVLVCGSLPF[Asp225Gly]GPNLPTLRQR